The following is an entry in ClinVar:

NM_017950.4(CCDC40):c.1949A>G (p.Asn650Ser)

Gene: CCDC40 (coiled-coil domain 40 molecular ruler complex subunit; plus strand). Cytogenetic location: 17q25.3.
Variant type: single nucleotide variant.
Coding change: c.1949A>G on transcript NM_017950.4 (MANE Select); coding-DNA position 1949, A replaced by G.
Protein change: p.Asn650Ser; replaces asparagine 650 with serine.
Molecular consequence: missense variant.
Genome position (GRCh38, 1-based): chr17:80,082,018, A>G. VCF-style: chr17-80082018-A-G. GRCh37 (hg19) VCF-style: chr17-78055817-A-G.
Other names: c.1949A>G, p.Asn650Ser (NM_001243342.2); short protein forms N650S.
Identifiers: ClinVar variation 454881 (VCV000454881.8), dbSNP rs201064110, ClinGen allele CA8814060.

ClinVar aggregate classification (germline): Uncertain significance. Review status: criteria provided, multiple submitters, no conflicts (2 of 4 stars). 3 submissions from 3 submitters: Uncertain significance (3). Last evaluated 2022-08-10.

Conditions:
Primary ciliary dyskinesia. Also called: Ciliary dyskinesia. Identifiers: Orphanet 244, MedGen C0008780, MONDO:0016575, HP:0012265.

Allele frequency attached by ClinVar (database versions not stated): ExAC 0.00003; gnomAD exomes 0.00004; gnomAD 0.00014 and 0.00016; ESP Exome Variant Server 0.00023; TOPMed 0.00023.
gnomAD v4.1: 85 of 1,613,236 alleles (0.0053%); highest among the groups gnomAD compares: African/African-American, 0.04%; no homozygotes.

Submissions (3):

Labcorp Genetics (formerly Invitae), Labcorp
Classification: Uncertain significance for Primary ciliary dyskinesia. Last evaluated: 2022-08-10. Review status: criteria provided, single submitter. Criteria: Invitae Variant Classification Sherloc (09022015). Collection method: clinical testing. Allele origin: germline.
Comment: Algorithms developed to predict the effect of missense changes on protein structure and function output the following: SIFT: "Tolerated"; PolyPhen-2: "Benign"; Align-GVGD: "Class C0". The serine amino acid residue is found in multiple mammalian species, which suggests that this missense change does not adversely affect protein function. In summary, the available evidence is currently insufficient to determine the role of this variant in disease. Therefore, it has been classified as a Variant of Uncertain Significance. ClinVar contains an entry for this variant (Variation ID: 454881). This variant has not been reported in the literature in individuals affected with CCDC40-related conditions. This variant is present in population databases (rs201064110, gnomAD 0.03%). This sequence change replaces asparagine, which is neutral and polar, with serine, which is neutral and polar, at codon 650 of the CCDC40 protein (p.Asn650Ser).

Ambry Genetics
Classification: Uncertain significance for Primary ciliary dyskinesia. Last evaluated: 2022-01-30. Review status: criteria provided, single submitter. Criteria: Ambry Variant Classification Scheme 2023. Collection method: clinical testing. Allele origin: germline.
Comment: The p.N650S variant (also known as c.1949A>G), located in coding exon 12 of the CCDC40 gene, results from an A to G substitution at nucleotide position 1949. The asparagine at codon 650 is replaced by serine, an amino acid with highly similar properties. This amino acid position is conserved. In addition, this alteration is predicted to be tolerated by in silico analysis. Since supporting evidence is limited at this time, the clinical significance of this alteration remains unclear.

UNC Molecular Genetics  Laboratory, University of North Carolina at Chapel Hill
Classification: Uncertain significance for Primary ciliary dyskinesia. Last evaluated: 2021-06-15. Review status: criteria provided, single submitter. Criteria: ACMG Guidelines, 2015. Collection method: clinical testing. Allele origin: germline. Observed: 1 heterozygote.